The following is an entry in ClinVar:

ClinVar aggregate classification (germline): Uncertain significance (1 of 4 stars; one submission).

Conditions:
Hennekam lymphangiectasia-lymphedema syndrome 1 (HKLLS1). Also called: LYMPHATIC DYSPLASIA, GENERALIZED. Identifiers: Orphanet 2136, MedGen C4012050, MONDO:0009337, OMIM 235510.

gnomAD v4.1: 7 of 1,614,130 alleles (0.00043%); highest among the groups gnomAD compares: African/African-American, 0.0027%; no homozygotes.

Submission:

Clinical Genomics Laboratory, Washington University in St. Louis
Classification: Uncertain significance for Hennekam lymphangiectasia-lymphedema syndrome 1. Last evaluated: 2024-05-16. Review status: criteria provided, single submitter. Criteria: ACMG Guidelines, 2015. Collection method: clinical testing. Allele origin: germline.
Comment: The CCBE1 c.1022T>C (p.Met341Thr) variant was identified at a near heterozygous allelic fraction of 50.7%, a frequency which may be consistent with it being of germline origin. This variant, to our knowledge, has not been reported in the medical literature and it is only observed on 7/1,614,130 alleles in the general population (gnomAD v4.1.0), indicating it is not a common variant. Due to limited information, and based on ACMG/AMP guidelines for variant interpretation (Richards S et al., PMID: 25741868), the clinical significance of this variant is uncertain at this time.

NM_133459.4(CCBE1):c.1022T>C (p.Met341Thr)

Gene: CCBE1 (collagen and calcium binding EGF domains 1; minus strand). Cytogenetic location: 18q21.32.
Variant type: single nucleotide variant.
Coding change: c.1022T>C on transcript NM_133459.4 (MANE Select); coding-DNA position 1022, T replaced by C.
Protein change: p.Met341Thr; replaces methionine 341 with threonine.
Molecular consequence: missense variant.
Genome position (GRCh38, 1-based): chr18:59,436,107, A>G on the plus strand (T>C on the coding strand, the complement: CCBE1 is on the minus strand). VCF-style: chr18-59436107-A-G. GRCh37 (hg19) VCF-style: chr18-57103339-A-G.
Other names: short protein forms M341T.
Identifiers: ClinVar variation 3600423 (VCV003600423.1).
Genomic context (GRCh38, chr18:59,436,107, plus strand): 5'-GTCCGGTGCCCGAACACCTTTTCCTGCAGCTCAGTGATGTCATTGCGGATGTCAGCCAGC[A>G]TAAGTAGCAGGAAGTCGAAAGAACCAGGGGGTCCCTGTGTACATGGGAGGAATCAAAGCT-3'
Protein context (NP_597716.1, residues 331-351): PPGSFDFLLL[Met341Thr]LADIRNDITE